The following is an entry in ClinVar:

ClinVar aggregate classification (germline): Uncertain significance. Review status: criteria provided, multiple submitters, no conflicts (2 of 4 stars). 2 submissions from 2 submitters: Uncertain significance (2). Last evaluated 2024-10-22.

Conditions:
Charcot-Marie-Tooth disease axonal type 2F (CMT2F). Also called: Charcot-Marie-Tooth Neuropathy Type 2F; CHARCOT-MARIE-TOOTH DISEASE, NEURONAL, TYPE 2F. Identifiers: Orphanet 99940, MedGen C1847823, MONDO:0011687, OMIM 606595.

Allele frequency attached by ClinVar (database versions not stated): TOPMed below 0.00001.

Submissions (2):

Labcorp Genetics (formerly Invitae), Labcorp
Classification: Uncertain significance for Charcot-Marie-Tooth disease axonal type 2F. Last evaluated: 2024-10-22. Review status: criteria provided, single submitter. Criteria: Invitae Variant Classification Sherloc (09022015). Collection method: clinical testing. Allele origin: germline.
Comment: This sequence change replaces proline, which is neutral and non-polar, with leucine, which is neutral and non-polar, at codon 7 of the HSPB1 protein (p.Pro7Leu). This variant is not present in population databases (gnomAD no frequency). This missense change has been observed in individual(s) with HSPB1-related conditions (internal data). ClinVar contains an entry for this variant (Variation ID: 586026). Invitae Evidence Modeling of protein sequence and biophysical properties (such as structural, functional, and spatial information, amino acid conservation, physicochemical variation, residue mobility, and thermodynamic stability) indicates that this missense variant is expected to disrupt HSPB1 protein function with a positive predictive value of 95%. In summary, the available evidence is currently insufficient to determine the role of this variant in disease. Therefore, it has been classified as a Variant of Uncertain Significance.

Athena Diagnostics
Classification: Uncertain significance. Last evaluated: 2018-01-10. Review status: criteria provided, single submitter. Criteria: Athena Diagnostics Criteria. Collection method: clinical testing. Allele origin: germline.

NM_001540.5(HSPB1):c.20C>T (p.Pro7Leu)

Gene: HSPB1 (heat shock protein family B (small) member 1; plus strand). Cytogenetic location: 7q11.23.
Variant type: single nucleotide variant.
Coding change: c.20C>T on transcript NM_001540.5 (MANE Select); coding-DNA position 20, C replaced by T.
Protein change: p.Pro7Leu; replaces proline 7 with leucine.
Molecular consequence: missense variant.
Genome position (GRCh38, 1-based): chr7:76,302,732, C>T. VCF-style: chr7-76302732-C-T. GRCh37 (hg19) VCF-style: chr7-75932049-C-T.
Other names: c.20C>T (LRG_248t1); short protein forms P7L.
Identifiers: ClinVar variation 586026 (VCV000586026.3), dbSNP rs1405359814, ClinGen allele CA367762696.
Genomic context (GRCh38, chr7:76,302,732, plus strand): 5'-CGCACTTTTCTGAGCAGACGTCCAGAGCAGAGTCAGCCAGCATGACCGAGCGCCGCGTCC[C>T]CTTCTCGCTCCTGCGGGGCCCCAGCTGGGACCCCTTCCGCGACTGGTACCCGCATAGCCG-3'
Protein context (NP_001531.1, residues 1-17): MTERRV[Pro7Leu]FSLLRGPSWD